The following is an entry in ClinVar:

ClinVar aggregate classification (germline): Uncertain significance (1 of 4 stars; one submission).

Conditions:
Intellectual disability. Also called: Intellectual functioning disability; Intellectual developmental disorder; intellectual disabilities. Identifiers: MedGen C3714756, MeSH D008607, MONDO:0001071, HP:0001249.

Submission:

Labcorp Genetics (formerly Invitae), Labcorp
Classification: Uncertain significance for Intellectual disability. Last evaluated: 2020-10-13. Review status: criteria provided, single submitter. Criteria: Invitae Variant Classification Sherloc (09022015). Collection method: clinical testing. Allele origin: germline.
Comment: This variant, c.627_629del, is a complex sequence change that results in the deletion of 2 and insertion of 1 amino acid(s) in the GABRB2 protein (p.Gln209_Phe210delinsHis). This variant is not present in population databases (ExAC no frequency). This variant has been observed in individual(s) with clinical features of GABRB2-related conditions (Invitae). Experimental studies and prediction algorithms are not available or were not evaluated, and the functional significance of this variant is currently unknown. In summary, the available evidence is currently insufficient to determine the role of this variant in disease. Therefore, it has been classified as a Variant of Uncertain Significance.

NM_001371727.1(GABRB2):c.627_629del (p.Gln209_Phe210delinsHis)

Gene: GABRB2 (gamma-aminobutyric acid type A receptor subunit beta2; minus strand). Cytogenetic location: 5q34.
Variant type: Deletion.
Coding change: c.627_629del on transcript NM_001371727.1 (MANE Select); coding-DNA positions 627 to 629, 3 bases deleted (GTT; older notation c.627_629delGTT).
Protein change: p.Gln209_Phe210delinsHis.
Molecular consequence: inframe indel.
Genome position (GRCh38, 1-based): chr5:161,336,682-161,336,684, AAC deleted on the plus strand (GTT on the coding strand, the reverse complement: GABRB2 is on the minus strand). VCF-style (leftmost placement, unchanged base first): chr5-161336681-GAAC-G. GRCh37 (hg19) VCF-style: chr5-160763688-GAAC-G.
Other names: c.627_629del, p.Gln209_Phe210delinsHis (NM_000813.3, NM_021911.3).
Identifiers: ClinVar variation 1060443 (VCV001060443.9), dbSNP rs2113408160, ClinGen allele CA2499217757.